The following is an entry in ClinVar:

ClinVar aggregate classification (germline): Pathogenic (1 of 4 stars; one submission).

Allele frequency attached by ClinVar (database versions not stated): gnomAD exomes 0.00001.

Submission:

Labcorp Genetics (formerly Invitae), Labcorp
Classification: Pathogenic. Last evaluated: 2023-03-24. Review status: criteria provided, single submitter. Criteria: Invitae Variant Classification Sherloc (09022015). Collection method: clinical testing. Allele origin: germline.
Comment: This sequence change creates a premature translational stop signal (p.Gln885Thrfs*6) in the TRIM37 gene. It is expected to result in an absent or disrupted protein product. Loss-of-function variants in TRIM37 are known to be pathogenic (PMID: 10888877, 15108285). This variant is present in population databases (no rsID available, gnomAD no frequency). This variant has not been reported in the literature in individuals affected with TRIM37-related conditions. For these reasons, this variant has been classified as Pathogenic.

Literature cited by the submitters: PubMed 10888877; PubMed 15108285.

NM_015294.6(TRIM37):c.2652dup (p.Gln885fs)

Gene: TRIM37 (tripartite motif containing 37; minus strand). Cytogenetic location: 17q22.
Variant type: Duplication.
Coding change: c.2652dup on transcript NM_015294.6 (MANE Select); coding-DNA position 2652, one base duplicated (A; older notation c.2652dupA).
Protein change: p.Gln885fs; shifts the reading frame from glutamine 885.
Molecular consequence: frameshift variant. On other transcripts: non-coding transcript variant (2).
Genome position (GRCh38, 1-based): chr17:59,012,371, T duplicated on the plus strand (A on the coding strand, the reverse complement: TRIM37 is on the minus strand). VCF-style (leftmost placement, unchanged base first): chr17-59012370-G-GT. GRCh37 (hg19) VCF-style: chr17-57089731-G-GT.
Other names: c.2652dup, p.Gln885fs (NM_001005207.5, NM_001320988.3, NM_001320989.3 and 1 more transcripts); c.2550dup, p.Gln851fs (NM_001320987.3, NM_001353082.2); c.2286dup, p.Gln763fs (NM_001320990.3); c.1917dup, p.Gln640fs (NM_001353083.2); c.2190dup, p.Gln731fs (NM_001353085.2); c.2601dup, p.Gln868fs (NM_001353086.2); short protein forms Q640fs, Q851fs, Q885fs, Q868fs, Q731fs, Q763fs.
Identifiers: ClinVar variation 2893407 (VCV002893407.3), dbSNP rs1337070499, ClinGen allele CA626996911.
Genomic context (GRCh38, chr17:59,012,370, plus strand): 5'-AAGTTTATCATTCCTTACCTTCTTCAGGGGCAGCTGAAGCTCCTTCAGGTAGTACAGGCT[G>GT]TAACTCTCCAGTTTCAGAATTATTTTCCAAATCAGTCATCTGCAGTCCTTCCAGATGACC-3'